The following is an entry in ClinVar:

ClinVar aggregate classification (germline): Uncertain significance (1 of 4 stars; one submission).

Conditions:
ARHGAP31-related disorder. Also called: ARHGAP31-related condition.

gnomAD v4.1: 3 of 1,614,080 alleles (0.00019%); highest among the groups gnomAD compares: South Asian, 0.0011%; no homozygotes.

Submission:

PreventionGenetics, part of Exact Sciences
Classification: Uncertain significance for ARHGAP31-related condition. Last evaluated: 2025-03-19. Review status: criteria provided, single submitter. Criteria: ACMG Guidelines, 2015. Collection method: clinical testing. Allele origin: germline.
Comment: The ARHGAP31 c.475T>C variant is predicted to result in the amino acid substitution p.Phe159Leu. To our knowledge, this variant has not been reported in the literature or in a large population database (gnomAD), indicating this variant is rare. At this time, the clinical significance of this variant is uncertain due to the absence of conclusive functional and genetic evidence.

NM_020754.4(ARHGAP31):c.475T>C (p.Phe159Leu)

Gene: ARHGAP31 (Rho GTPase activating protein 31; plus strand). Cytogenetic location: 3q13.33.
Variant type: single nucleotide variant.
Coding change: c.475T>C on transcript NM_020754.4 (MANE Select); coding-DNA position 475, T replaced by C.
Protein change: p.Phe159Leu; replaces phenylalanine 159 with leucine.
Molecular consequence: missense variant.
Genome position (GRCh38, 1-based): chr3:119,382,335, T>C. VCF-style: chr3-119382335-T-C. GRCh37 (hg19) VCF-style: chr3-119101182-T-C.
Other names: short protein forms F159L.
Identifiers: ClinVar variation 4999293 (VCV004999293.1).